The following is an entry in ClinVar:

NM_004958.4(MTOR):c.3817A>G (p.Arg1273Gly)

Gene: MTOR (mechanistic target of rapamycin kinase; minus strand). Cytogenetic location: 1p36.22.
Variant type: single nucleotide variant.
Coding change: c.3817A>G on transcript NM_004958.4 (MANE Select); coding-DNA position 3817, A replaced by G.
Protein change: p.Arg1273Gly; replaces arginine 1273 with glycine.
Molecular consequence: missense variant.
Genome position (GRCh38, 1-based): chr1:11,204,688, T>C on the plus strand (A>G on the coding strand, the complement: MTOR is on the minus strand). VCF-style: chr1-11204688-T-C. GRCh37 (hg19) VCF-style: chr1-11264745-T-C.
Other names: short protein forms R1273G.
Identifiers: ClinVar variation 840106 (VCV000840106.1), dbSNP rs1156989868, ClinGen allele CA338394023.

ClinVar aggregate classification (germline): Uncertain significance (1 of 4 stars; one submission).

Allele frequency attached by ClinVar (database versions not stated): gnomAD exomes below 0.00001.
gnomAD v4.1: 1 of 1,614,154 alleles (0.000062%); highest among the groups gnomAD compares: Non-Finnish European, 0.000085%; no homozygotes.

Submission:

Labcorp Genetics (formerly Invitae), Labcorp
Classification: Uncertain significance. Last evaluated: 2019-12-11. Review status: criteria provided, single submitter. Criteria: Invitae Variant Classification Sherloc (09022015). Collection method: clinical testing. Allele origin: germline.
Comment: This sequence change replaces arginine with glycine at codon 1273 of the MTOR protein (p.Arg1273Gly). The arginine residue is highly conserved and there is a moderate physicochemical difference between arginine and glycine. This variant is not present in population databases (ExAC no frequency). This variant has not been reported in the literature in individuals with MTOR-related disease. Algorithms developed to predict the effect of missense changes on protein structure and function are either unavailable or do not agree on the potential impact of this missense change (SIFT: "Deleterious"; PolyPhen-2: "Probably Damaging"; Align-GVGD: "Class C0"). In summary, the available evidence is currently insufficient to determine the role of this variant in disease. Therefore, it has been classified as a Variant of Uncertain Significance.